The following is an entry in ClinVar:

NM_000414.4(HSD17B4):c.1436A>G (p.Lys479Arg)

Gene: HSD17B4 (hydroxysteroid 17-beta dehydrogenase 4; plus strand). Cytogenetic location: 5q23.1.
Variant type: single nucleotide variant.
Coding change: c.1436A>G on transcript NM_000414.4 (MANE Select); coding-DNA position 1436, A replaced by G.
Protein change: p.Lys479Arg; replaces lysine 479 with arginine.
Molecular consequence: missense variant. On other transcripts: non-coding transcript variant (2).
Genome position (GRCh38, 1-based): chr5:119,509,243, A>G. VCF-style: chr5-119509243-A-G. GRCh37 (hg19) VCF-style: chr5-118844938-A-G.
Other names: c.1511A>G, p.Lys504Arg (NM_001199291.3); c.1382A>G, p.Lys461Arg (NM_001199292.2); c.1364A>G, p.Lys455Arg (NM_001292027.2, NM_001374498.1); c.1016A>G, p.Lys339Arg (NM_001292028.2); c.1427A>G, p.Lys476Arg (NM_001374497.1); c.1109A>G, p.Lys370Arg (NM_001374499.1); c.995A>G, p.Lys332Arg (NM_001374500.1); c.1025A>G, p.Lys342Arg (NM_001374501.1, NM_001374502.1, NM_001374503.1); short protein forms K455R, K370R, K476R, K332R, K339R, K342R, K461R, K479R.
Identifiers: ClinVar variation 1399307 (VCV001399307.6), dbSNP rs1318841272, ClinGen allele CA360868873.
Genomic context (GRCh38, chr5:119,509,243, plus strand): 5'-TCTCTCTCTTTCTTGTTGGCTCTGGAGGCTTTGGTGGAAAACGGACATCAGACAAAGTCA[A>G]GGTAAGCCATGACTTTGTAAGCAAAATATATGTGTAGTTAAGGATTCTTACCTATACAAT-3'
Protein context (NP_000405.1, residues 469-489): FGGKRTSDKV[Lys479Arg]VAVAIPNRPP

ClinVar aggregate classification (germline): Uncertain significance (1 of 4 stars; one submission).

Conditions:
Bifunctional peroxisomal enzyme deficiency (DBIF). Also called: DBP DEFICIENCY; D-bifunctional protein deficiency; PBFE DEFICIENCY. Identifiers: Orphanet 300, MedGen C0342870, MONDO:0009855, OMIM 261515. Disease mechanism: loss of function.
Perrault syndrome. Also called: Gonadal dysgenesis with auditory dysfunction, autosomal recessive inheritance. Identifiers: Orphanet 2855, MedGen C0685838, MONDO:0017312.

Allele frequency attached by ClinVar (database versions not stated): TOPMed below 0.00001; gnomAD 0.00001.

Submission:

Labcorp Genetics (formerly Invitae), Labcorp
Classification: Uncertain significance for Perrault syndrome; Bifunctional peroxisomal enzyme deficiency. Last evaluated: 2022-08-16. Review status: criteria provided, single submitter. Criteria: Invitae Variant Classification Sherloc (09022015). Collection method: clinical testing. Allele origin: germline.
Comment: This sequence change replaces lysine, which is basic and polar, with arginine, which is basic and polar, at codon 479 of the HSD17B4 protein (p.Lys479Arg). This variant is not present in population databases (gnomAD no frequency). This variant has not been reported in the literature in individuals affected with HSD17B4-related conditions. ClinVar contains an entry for this variant (Variation ID: 1399307). Algorithms developed to predict the effect of missense changes on protein structure and function are either unavailable or do not agree on the potential impact of this missense change (SIFT: "Tolerated"; PolyPhen-2: "Possibly Damaging"; Align-GVGD: "Class C0"). In summary, the available evidence is currently insufficient to determine the role of this variant in disease. Therefore, it has been classified as a Variant of Uncertain Significance.